The following is an entry in ClinVar:

NM_005732.4(RAD50):c.2636C>T (p.Thr879Ile)

Gene: RAD50 (RAD50 double strand break repair protein; plus strand). Cytogenetic location: 5q31.1.
Variant type: single nucleotide variant.
Coding change: c.2636C>T on transcript NM_005732.4 (MANE Select); coding-DNA position 2636, C replaced by T.
Protein change: p.Thr879Ile; replaces threonine 879 with isoleucine.
Molecular consequence: missense variant.
Genome position (GRCh38, 1-based): chr5:132,604,917, C>T. VCF-style: chr5-132604917-C-T. GRCh37 (hg19) VCF-style: chr5-131940609-C-T.
Other names: short protein forms T879I.
Identifiers: ClinVar variation 1794116 (VCV001794116.2), dbSNP rs876660806, ClinGen allele CA360956670.

ClinVar aggregate classification (germline): Uncertain significance (1 of 4 stars; one submission).

Conditions:
Hereditary cancer-predisposing syndrome. Also called: Tumor predisposition; Hereditary Cancer Syndrome; Neoplastic Syndromes, Hereditary; Hereditary neoplastic syndrome. Identifiers: Orphanet 140162, MedGen C0027672, MeSH D009386, MONDO:0015356.

Submission:

Ambry Genetics
Classification: Uncertain significance for Hereditary cancer-predisposing syndrome. Last evaluated: 2024-01-14. Review status: criteria provided, single submitter. Criteria: Ambry Variant Classification Scheme 2023. Collection method: clinical testing. Allele origin: germline.
Comment: The p.T879I variant (also known as c.2636C>T), located in coding exon 16 of the RAD50 gene, results from a C to T substitution at nucleotide position 2636. The threonine at codon 879 is replaced by isoleucine, an amino acid with similar properties. This amino acid position is conserved. In addition, this alteration is predicted to be tolerated by in silico analysis. Since supporting evidence is limited at this time, the clinical significance of this alteration remains unclear.